The following is an entry in ClinVar:

NM_001273.5(CHD4):c.4921G>A (p.Val1641Ile)

Genes: CHD4 (chromodomain helicase DNA binding protein 4; minus strand), CHD4-AS1 (CHD4 antisense RNA 1; plus strand). Cytogenetic location: 12p13.31.
Variant type: single nucleotide variant.
Coding change: c.4921G>A on transcript NM_001273.5 (MANE Select); coding-DNA position 4921, G replaced by A.
Protein change: p.Val1641Ile; replaces valine 1641 with isoleucine.
Molecular consequence: missense variant.
Genome position (GRCh38, 1-based): chr12:6,578,906, C>T on the plus strand (G>A on the coding strand, the complement: CHD4 is on the minus strand). VCF-style: chr12-6578906-C-T. GRCh37 (hg19) VCF-style: chr12-6688072-C-T.
Other names: c.4900G>A, p.Val1634Ile (NM_001297553.2); c.4888G>A, p.Val1630Ile (NM_001363606.2); c.4921G>A (NM_001273.3); short protein forms V1641I, V1630I, V1634I.
Identifiers: ClinVar variation 4002117 (VCV004002117.2).

ClinVar aggregate classification (germline): Uncertain significance. Review status: criteria provided, multiple submitters, no conflicts (2 of 4 stars). 2 submissions from 2 submitters: Uncertain significance (2). Last evaluated 2026-01-02.

Conditions:
Inborn genetic diseases. Identifiers: MedGen C0950123, MeSH D030342.
CHD4-related disorder. Also called: CHD4-related condition.

gnomAD v4.1: 50 of 1,614,174 alleles (0.0031%); highest among the groups gnomAD compares: Non-Finnish European, 0.0039%; no homozygotes.

Submissions (2):

PreventionGenetics, part of Exact Sciences
Classification: Uncertain significance for CHD4-related condition. Last evaluated: 2026-01-02. Review status: criteria provided, single submitter. Criteria: ACMG Guidelines, 2015. Collection method: clinical testing. Allele origin: germline.
Comment: The CHD4 c.4921G>A variant is predicted to result in the amino acid substitution p.Val1641Ile. To our knowledge, this variant has not been reported in the literature. This variant is reported in 0.0033% of alleles in individuals of South Asian descent in gnomAD. Although we suspect that this variant may be benign, at this time, the clinical significance of this variant is uncertain due to the absence of conclusive functional and genetic evidence.

Ambry Genetics
Classification: Uncertain significance for Inborn genetic diseases. Last evaluated: 2025-04-18. Review status: criteria provided, single submitter. Criteria: Ambry Variant Classification Scheme 2023. Collection method: clinical testing. Allele origin: germline.